The following is an entry in ClinVar:

Conditions:
Breast-ovarian cancer, familial, susceptibility to, 1 (BROVCA1). Also called: BRCA1 Hereditary Breast and Ovarian Cancer; OVARIAN CANCER, SUSCEPTIBILITY TO. Identifiers: Orphanet 145, MedGen C2676676, MONDO:0011450, OMIM 604370. Disease mechanism: loss of function.

Submission:

Brotman Baty Institute, University of Washington
No classification provided (evidence only). Condition: Breast-ovarian cancer, familial 1. Review status: no classification provided. Collection method: in vitro. Allele origin: not applicable. Functional consequence: functionally_normal.
ClinVar note: "not provided" was previously submitted as the classification for the variant. However, the classification appeared to be based only on an observation of functional data so it was converted to no classification on 2025-07-30.

NM_007294.4(BRCA1):c.4969C>G (p.Leu1657Val)

Gene: BRCA1 (BRCA1 DNA repair associated; minus strand). Cytogenetic location: 17q21.31.
Variant type: single nucleotide variant.
Coding change: c.4969C>G on transcript NM_007294.4 (MANE Select); coding-DNA position 4969, C replaced by G.
Protein change: p.Leu1657Val; replaces leucine 1657 with valine.
Molecular consequence: missense variant. On other transcripts: non-coding transcript variant (1).
Genome position (GRCh38, 1-based): chr17:43,070,945, G>C on the plus strand (C>G on the coding strand, the complement: BRCA1 is on the minus strand). VCF-style: chr17-43070945-G-C. GRCh37 (hg19) VCF-style: chr17-41222962-G-C.
Other names: c.4756C>G, p.Leu1586Val (NM_001407571.1, NM_001407894.1, NM_001407895.1 and 12 more transcripts); c.5035C>G, p.Leu1679Val (NM_001407581.1, NM_001407582.1); c.5032C>G, p.Leu1678Val (NM_001407583.1, NM_001407585.1, NM_001407587.1 and 1 more transcripts); c.5029C>G, p.Leu1677Val (NM_001407590.1, NM_001407591.1); c.4969C>G, p.Leu1657Val (NM_001407593.1, NM_001407594.1, NM_001407596.1 and 8 more transcripts); c.4966C>G, p.Leu1656Val (NM_001407610.1, NM_001407611.1, NM_001407622.1 and 17 more transcripts); c.4963C>G, p.Leu1655Val (NM_001407627.1, NM_001407628.1, NM_001407629.1 and 14 more transcripts); c.4960C>G, p.Leu1654Val (NM_001407644.1, NM_001407645.1); and 70 more; short protein forms L1657V, L1678V, L553V, L1610V, L1361V, L1529V, L1546V, L1587V.
Identifiers: ClinVar variation 868884 (VCV000868884.3), dbSNP rs2052359756, ClinGen allele CA10591588.